The following is an entry in ClinVar:

NM_001171.6(ABCC6):c.3515C>A (p.Ala1172Glu)

Gene: ABCC6 (ATP binding cassette subfamily C member 6; minus strand). Cytogenetic location: 16p13.11.
Variant type: single nucleotide variant.
Coding change: c.3515C>A on transcript NM_001171.6 (MANE Select); coding-DNA position 3515, C replaced by A.
Protein change: p.Ala1172Glu; replaces alanine 1172 with glutamic acid.
Molecular consequence: missense variant. On other transcripts: non-coding transcript variant (1).
Genome position (GRCh38, 1-based): chr16:16,161,556, G>T on the plus strand (C>A on the coding strand, the complement: ABCC6 is on the minus strand). VCF-style: chr16-16161556-G-T. GRCh37 (hg19) VCF-style: chr16-16255413-G-T.
Other names: c.3173C>A, p.Ala1058Glu (NM_001351800.1); short protein forms A1058E, A1172E.
Identifiers: ClinVar variation 1968718 (VCV001968718.5), dbSNP rs753771636, ClinGen allele CA394880177.
Genomic context (GRCh38, chr16:16,161,556, plus strand): 5'-AGCACAGCACACGTGGCAGCTGCAAACACCAGGCCATTCCCCAGGAGCTCCACATTGGCC[G>T]CAAGCCACCTGCAAAGGGAAGCGACAGCAGGGTGAGTGGTTACTCTCATCTGCAGGGAGA-3'
Protein context (NP_001162.5, residues 1162-1182): FPRLVADRWL[Ala1172Glu]ANVELLGNGL

ClinVar aggregate classification (germline): Uncertain significance (1 of 4 stars; one submission).

gnomAD v4.1: 2 of 1,613,900 alleles (0.00012%); highest among the groups gnomAD compares: South Asian, 0.0011%; no homozygotes.

Submission:

Labcorp Genetics (formerly Invitae), Labcorp
Classification: Uncertain significance. Last evaluated: 2022-02-24. Review status: criteria provided, single submitter. Criteria: Invitae Variant Classification Sherloc (09022015). Collection method: clinical testing. Allele origin: germline.
Comment: In summary, the available evidence is currently insufficient to determine the role of this variant in disease. Therefore, it has been classified as a Variant of Uncertain Significance. Algorithms developed to predict the effect of missense changes on protein structure and function are either unavailable or do not agree on the potential impact of this missense change (SIFT: "Deleterious"; PolyPhen-2: "Possibly Damaging"; Align-GVGD: "Class C0"). This variant has not been reported in the literature in individuals affected with ABCC6-related conditions. This variant is present in population databases (no rsID available, gnomAD 0.003%). This sequence change replaces alanine, which is neutral and non-polar, with glutamic acid, which is acidic and polar, at codon 1172 of the ABCC6 protein (p.Ala1172Glu).